The following is an entry in ClinVar:

NM_016180.5(SLC45A2):c.776C>T (p.Pro259Leu)

Gene: SLC45A2 (solute carrier family 45 member 2; minus strand). Cytogenetic location: 5p13.2.
Variant type: single nucleotide variant.
Coding change: c.776C>T on transcript NM_016180.5 (MANE Select); coding-DNA position 776, C replaced by T.
Protein change: p.Pro259Leu; replaces proline 259 with leucine.
Molecular consequence: missense variant. On other transcripts: intron variant (1).
Genome position (GRCh38, 1-based): chr5:33,963,803, G>A on the plus strand (C>T on the coding strand, the complement: SLC45A2 is on the minus strand). VCF-style: chr5-33963803-G-A. GRCh37 (hg19) VCF-style: chr5-33963908-G-A.
Other names: c.776C>T, p.Pro259Leu (NM_001012509.4); c.563-9299C>T (NM_001297417.4); c.776C>T (NM_016180.3); short protein forms P259L.
Identifiers: ClinVar variation 1408954 (VCV001408954.5), dbSNP rs758649178, ClinGen allele CA3225705.

ClinVar aggregate classification (germline): Conflicting classifications of pathogenicity. Review status: criteria provided, conflicting classifications (1 of 4 stars). 3 submissions from 3 submitters: Uncertain significance (1); Likely benign (2). Last evaluated 2023-12-21.

Conditions:
Inborn genetic diseases. Identifiers: MedGen C0950123, MeSH D030342.

Allele frequency attached by ClinVar (database versions not stated): gnomAD exomes 0.00003; gnomAD 0.00007 and 0.00006; ExAC 0.00003; TOPMed 0.00003.
gnomAD v4.1: 61 of 1,614,010 alleles (0.0038%); highest among the groups gnomAD compares: South Asian, 0.022%; 1 homozygote.

Submissions (3):

Ambry Genetics
Classification: Likely benign for Inborn genetic diseases. Last evaluated: 2023-12-21. Review status: criteria provided, single submitter. Criteria: Ambry Variant Classification Scheme 2023. Collection method: clinical testing. Allele origin: germline.

Labcorp Genetics (formerly Invitae), Labcorp
Classification: Uncertain significance. Last evaluated: 2022-07-12. Review status: criteria provided, single submitter. Criteria: Invitae Variant Classification Sherloc (09022015). Collection method: clinical testing. Allele origin: germline.
Comment: This sequence change replaces proline, which is neutral and non-polar, with leucine, which is neutral and non-polar, at codon 259 of the SLC45A2 protein (p.Pro259Leu). This variant is present in population databases (rs758649178, gnomAD 0.04%). This variant has not been reported in the literature in individuals affected with SLC45A2-related conditions. ClinVar contains an entry for this variant (Variation ID: 1408954). Algorithms developed to predict the effect of missense changes on protein structure and function output the following: SIFT: "Tolerated"; PolyPhen-2: "Benign"; Align-GVGD: "Class C0". The leucine amino acid residue is found in multiple mammalian species, which suggests that this missense change does not adversely affect protein function. In summary, the available evidence is currently insufficient to determine the role of this variant in disease. Therefore, it has been classified as a Variant of Uncertain Significance.

Blueprint Genetics
Classification: Likely benign. Last evaluated: 2021-12-09. Review status: criteria provided, single submitter. Criteria: ACMG Guidelines, 2015. Collection method: clinical testing. Allele origin: germline.